The following is an entry in ClinVar:

NM_002382.5(MAX):c.424T>C (p.Ser142Pro)

Gene: MAX (MYC associated transcriptional regulator X; minus strand). Cytogenetic location: 14q23.3.
Variant type: single nucleotide variant.
Coding change: c.424T>C on transcript NM_002382.5 (MANE Select); coding-DNA position 424, T replaced by C.
Protein change: p.Ser142Pro; replaces serine 142 with proline.
Molecular consequence: missense variant. On other transcripts: 3 prime UTR variant (12), non-coding transcript variant (7), intron variant (2).
Genome position (GRCh38, 1-based): chr14:65,076,535, A>G on the plus strand (T>C on the coding strand, the complement: MAX is on the minus strand). VCF-style: chr14-65076535-A-G. GRCh37 (hg19) VCF-style: chr14-65543253-A-G.
Other names: c.235T>C, p.Ser79Pro (NM_001320415.2, NM_001407105.1, NM_001407106.1 and 1 more transcripts); c.424T>C, p.Ser142Pro (NM_001407094.1); c.397T>C, p.Ser133Pro (NM_001407095.1, NM_145112.3); c.*197T>C (NM_001407096.1, NM_001407099.1, NM_001407102.1 and 2 more transcripts); c.*213T>C (NM_001407097.1, NM_001407100.1, NM_001407101.1 and 4 more transcripts); c.316T>C, p.Ser106Pro (NM_001407098.1); c.223T>C, p.Ser75Pro (NM_001407111.1, NM_001407112.1); c.144+17173T>C (NM_001271069.2); and 1 more; short protein forms S133P, S142P, S106P, S75P, S79P.
Identifiers: ClinVar variation 2751479 (VCV002751479.3), dbSNP rs2139739878, ClinGen allele CA390031411.

ClinVar aggregate classification (germline): Uncertain significance (1 of 4 stars; one submission).

Conditions:
Hereditary pheochromocytoma and paraganglioma. Also called: Hereditary Paraganglioma-Pheochromocytoma Syndromes; Hereditary pheochromocytoma-paraganglioma; Hereditary paragangliomas and pheochromocytomas. Identifiers: Orphanet 29072, MedGen C4274332, MONDO:0017366.

Submission:

Labcorp Genetics (formerly Invitae), Labcorp
Classification: Uncertain significance for Hereditary pheochromocytoma and paraganglioma. Last evaluated: 2023-08-10. Review status: criteria provided, single submitter. Criteria: Invitae Variant Classification Sherloc (09022015). Collection method: clinical testing. Allele origin: germline.
Comment: An algorithm developed to predict the effect of missense changes on protein structure and function (PolyPhen-2) suggests that this variant is likely to be disruptive. This variant has not been reported in the literature in individuals affected with MAX-related conditions. This variant is not present in population databases (gnomAD no frequency). This sequence change replaces serine, which is neutral and polar, with proline, which is neutral and non-polar, at codon 142 of the MAX protein (p.Ser142Pro). In summary, the available evidence is currently insufficient to determine the role of this variant in disease. Therefore, it has been classified as a Variant of Uncertain Significance.